The following is an entry in ClinVar:

NM_015937.6(PIGT):c.1346C>T (p.Ala449Val)

Gene: PIGT (phosphatidylinositol glycan anchor biosynthesis class T; plus strand). Cytogenetic location: 20q13.12.
Variant type: single nucleotide variant.
Coding change: c.1346C>T on transcript NM_015937.6 (MANE Select); coding-DNA position 1346, C replaced by T.
Protein change: p.Ala449Val; replaces alanine 449 with valine.
Molecular consequence: missense variant. On other transcripts: non-coding transcript variant (5).
Genome position (GRCh38, 1-based): chr20:45,424,327, C>T. VCF-style: chr20-45424327-C-T. GRCh37 (hg19) VCF-style: chr20-44052967-C-T.
Other names: c.1178C>T, p.Ala393Val (NM_001184728.3); c.1145C>T, p.Ala382Val (NM_001184729.3); c.1040C>T, p.Ala347Val (NM_001184730.3); c.1346C>T (NM_015937.4); short protein forms A347V, A382V, A393V, A449V.
Identifiers: ClinVar variation 2198674 (VCV002198674.3), dbSNP rs1353796312, ClinGen allele CA409170416.

ClinVar aggregate classification (germline): Uncertain significance. Review status: criteria provided, multiple submitters, no conflicts (2 of 4 stars). 2 submissions from 2 submitters: Uncertain significance (2). Last evaluated 2025-05-04.

Conditions:
Inborn genetic diseases. Identifiers: MedGen C0950123, MeSH D030342.
Multiple congenital anomalies-hypotonia-seizures syndrome 3 (MCAHS3). Also called: GLYCOSYLPHOSPHATIDYLINOSITOL BIOSYNTHESIS DEFECT 7. Identifiers: Orphanet 369837, MedGen C3809356, MONDO:0014165, OMIM 615398.

Allele frequency attached by ClinVar (database versions not stated): TOPMed 0.00004; gnomAD exomes below 0.00001.

Submissions (2):

Ambry Genetics
Classification: Uncertain significance for Inborn genetic diseases. Last evaluated: 2025-05-04. Review status: criteria provided, single submitter. Criteria: Ambry Variant Classification Scheme 2023. Collection method: clinical testing. Allele origin: germline.

Labcorp Genetics (formerly Invitae), Labcorp
Classification: Uncertain significance for Multiple congenital anomalies-hypotonia-seizures syndrome 3. Last evaluated: 2022-11-01. Review status: criteria provided, single submitter. Criteria: Invitae Variant Classification Sherloc (09022015). Collection method: clinical testing. Allele origin: germline.
Comment: In summary, the available evidence is currently insufficient to determine the role of this variant in disease. Therefore, it has been classified as a Variant of Uncertain Significance. Advanced modeling of protein sequence and biophysical properties (such as structural, functional, and spatial information, amino acid conservation, physicochemical variation, residue mobility, and thermodynamic stability) performed at Invitae indicates that this missense variant is not expected to disrupt PIGT protein function. This variant has not been reported in the literature in individuals affected with PIGT-related conditions. This variant is present in population databases (no rsID available, gnomAD 0.002%). This sequence change replaces alanine, which is neutral and non-polar, with valine, which is neutral and non-polar, at codon 449 of the PIGT protein (p.Ala449Val).